The following is an entry in ClinVar:

ClinVar aggregate classification (germline): Uncertain significance (0 of 4 stars; one submission).

Conditions:
SEMA3G-related disorder. Also called: SEMA3G-related condition.

Allele frequency attached by ClinVar (database versions not stated): gnomAD exomes below 0.00001; TOPMed 0.00001; ExAC 0.00002.

Submissions (2):

PreventionGenetics, part of Exact Sciences
Classification: Uncertain significance for SEMA3G-related condition. Last evaluated: 2024-02-07. Review status: no assertion criteria provided. Collection method: clinical testing. Allele origin: germline.
Comment: The SEMA3G c.592C>T variant is predicted to result in premature protein termination (p.Arg198*). To our knowledge, this variant has not been reported in the literature. This variant is reported in 0.0046% of alleles in individuals of European (Finnish) descent in gnomAD. At this time, the clinical significance of this variant is uncertain due to the absence of conclusive functional and genetic evidence.

Dr. Peter K. Rogan Lab, Western University
No classification provided (evidence only). Condition: Uterine corpus endometrial carcinoma. Review status: no classification provided. Collection method: in vitro. Allele origin: not applicable. Functional consequence: retained intron. Not counted in ClinVar's aggregate classification.

NM_020163.3(SEMA3G):c.592C>T (p.Arg198Ter)

Gene: SEMA3G (semaphorin 3G; minus strand). Cytogenetic location: 3p21.1.
Variant type: single nucleotide variant.
Coding change: c.592C>T on transcript NM_020163.3 (MANE Select); coding-DNA position 592, C replaced by T.
Protein change: p.Arg198Ter; replaces arginine 198 with a stop codon.
Molecular consequence: nonsense.
Genome position (GRCh38, 1-based): chr3:52,441,649, G>A on the plus strand (C>T on the coding strand, the complement: SEMA3G is on the minus strand). VCF-style: chr3-52441649-G-A. GRCh37 (hg19) VCF-style: chr3-52475665-G-A.
Other names: NC_000003.11:g.52475665G>A; short protein forms R198*.
Identifiers: ClinVar variation 3058165 (VCV003058165.3), dbSNP rs759458121, ClinGen allele CA2438279.